The following is an entry in ClinVar:

NM_002224.4(ITPR3):c.1134C>G (p.Asp378Glu)

Gene: ITPR3 (inositol 1,4,5-trisphosphate receptor type 3; plus strand). Cytogenetic location: 6p21.31.
Variant type: single nucleotide variant.
Coding change: c.1134C>G on transcript NM_002224.4 (MANE Select); coding-DNA position 1134, C replaced by G.
Protein change: p.Asp378Glu; replaces aspartic acid 378 with glutamic acid.
Molecular consequence: missense variant.
Genome position (GRCh38, 1-based): chr6:33,663,866, C>G. VCF-style: chr6-33663866-C-G. GRCh37 (hg19) VCF-style: chr6-33631643-C-G.
Other names: short protein forms D378E.
Identifiers: ClinVar variation 1704834 (VCV001704834.2), dbSNP rs2533025237, ClinGen allele CA363691103.

ClinVar aggregate classification (germline): Uncertain significance (1 of 4 stars; one submission).

Allele frequency attached by ClinVar (database versions not stated): gnomAD exomes below 0.00001.
gnomAD v4.1: 2 of 1,614,186 alleles (0.00012%); highest among the groups gnomAD compares: Non-Finnish European, 0.00017%; no homozygotes.

Submission:

GeneDx
Classification: Uncertain significance. Last evaluated: 2022-03-07. Review status: criteria provided, single submitter. Criteria: GeneDx Variant Classification Process June 2021. Collection method: clinical testing. Allele origin: germline. Affected: yes.
Comment: Not observed at significant frequency in large population cohorts (gnomAD); In silico analysis supports that this missense variant has a deleterious effect on protein structure/function; Has not been previously published as pathogenic or benign to our knowledge